The following is an entry in ClinVar:

NM_004974.4(KCNA2):c.1013G>A (p.Gly338Glu)

Gene: KCNA2 (potassium voltage-gated channel subfamily A member 2; minus strand). Cytogenetic location: 1p13.3.
Variant type: single nucleotide variant.
Coding change: c.1013G>A on transcript NM_004974.4 (MANE Select); coding-DNA position 1013, G replaced by A.
Protein change: p.Gly338Glu; replaces glycine 338 with glutamic acid.
Molecular consequence: missense variant. On other transcripts: intron variant (1).
Genome position (GRCh38, 1-based): chr1:110,603,770, C>T on the plus strand (G>A on the coding strand, the complement: KCNA2 is on the minus strand). VCF-style: chr1-110603770-C-T. GRCh37 (hg19) VCF-style: chr1-111146392-C-T.
Other names: c.894+119G>A (NM_001204269.2); short protein forms G338E.
Identifiers: ClinVar variation 542660 (VCV000542660.43), dbSNP rs1553181301, ClinGen allele CA341602359.

ClinVar aggregate classification (germline): Pathogenic/Likely pathogenic. Review status: criteria provided, multiple submitters, no conflicts (2 of 4 stars). 2 submissions from 2 submitters: Pathogenic (1); Likely pathogenic (1). Last evaluated 2024-11-18.

Conditions:
Developmental and epileptic encephalopathy, 32 (DEE32). Also called: Epileptic encephalopathy, early infantile, 32. Identifiers: Orphanet 442835, MedGen C4225350, MONDO:0014607, OMIM 616366.

Submissions (2):

Labcorp Genetics (formerly Invitae), Labcorp
Classification: Pathogenic for Developmental and epileptic encephalopathy, 32. Last evaluated: 2024-11-18. Review status: criteria provided, single submitter. Criteria: Invitae Variant Classification Sherloc (09022015). Collection method: clinical testing. Allele origin: germline.
Comment: This sequence change replaces glycine, which is neutral and non-polar, with glutamic acid, which is acidic and polar, at codon 338 of the KCNA2 protein (p.Gly338Glu). This variant is not present in population databases (gnomAD no frequency). This missense change has been observed in individual(s) with autosomal dominant KCNA2-related conditions (internal data). In at least one individual the variant was observed to be de novo. ClinVar contains an entry for this variant (Variation ID: 542660). Invitae Evidence Modeling of protein sequence and biophysical properties (such as structural, functional, and spatial information, amino acid conservation, physicochemical variation, residue mobility, and thermodynamic stability) indicates that this missense variant is expected to disrupt KCNA2 protein function with a positive predictive value of 95%. For these reasons, this variant has been classified as Pathogenic.

CeGaT Center for Human Genetics Tuebingen
Classification: Likely pathogenic. Last evaluated: 2021-06-01. Review status: criteria provided, single submitter. Criteria: CeGaT Center For Human Genetics Tuebingen Variant Classification Criteria Version 2. Collection method: clinical testing. Allele origin: germline. Affected: yes. Observed: 1 variant allele.